The following is an entry in ClinVar:

NM_007078.3(LDB3):c.1105A>G (p.Ser369Gly)

Gene: LDB3 (LIM domain binding 3; plus strand). Cytogenetic location: 10q23.2.
Variant type: single nucleotide variant.
Coding change: c.1105A>G on transcript NM_007078.3 (MANE Select); coding-DNA position 1105, A replaced by G.
Protein change: p.Ser369Gly; replaces serine 369 with glycine.
Molecular consequence: missense variant.
Genome position (GRCh38, 1-based): chr10:86,709,924, A>G. VCF-style: chr10-86709924-A-G. GRCh37 (hg19) VCF-style: chr10-88469681-A-G.
Other names: c.775A>G (NM_001080114.1); c.1105A>G (LRG_385t1); c.775A>G, p.Ser259Gly (NM_001080114.2); c.1120A>G, p.Ser374Gly (NM_001171610.2); c.916A>G, p.Ser306Gly (NM_001368064.1, NM_001368065.1); c.964A>G, p.Ser322Gly (NM_001368066.1); short protein forms S369G, S259G, S322G, S306G, S374G.
Identifiers: ClinVar variation 510571 (VCV000510571.18), dbSNP rs181700296, ClinGen allele CA5585055.

ClinVar aggregate classification (germline): Likely benign. Review status: criteria provided, multiple submitters, no conflicts (2 of 4 stars). 6 submissions from 6 submitters: Likely benign (6). Last evaluated 2025-12-20.

Conditions:
Cardiovascular phenotype. Identifiers: MedGen CN230736.
Myofibrillar myopathy 4. Also called: Zaspopathy (type). Identifiers: Orphanet 98912, MedGen C4721886, MONDO:0012277, OMIM 609452.
LDB3-related disorder. Also called: LDB3-related condition.
Cardiomyopathy (CMYO). Also called: Cardiomyopathies. Identifiers: Orphanet 167848, MedGen C0878544, MONDO:0004994, HP:0001638. Inheritance: Various modes of inheritance.
Long QT syndrome (LQTS). Identifiers: MedGen C0023976, MeSH D008133, MONDO:0002442. Disease mechanism: loss of function. Inheritance: Various modes of inheritance.

Allele frequency attached by ClinVar (database versions not stated): gnomAD exomes 0.00006 and 0.00014; TOPMed 0.00006; gnomAD 0.00001 and 0.00003; ExAC 0.00017; 1000 Genomes Project 0.00040; 1000 Genomes Project 30x 0.00062.
gnomAD v4.1: 42 of 1,611,672 alleles (0.0026%); highest among the groups gnomAD compares: Admixed American, 0.067%; no homozygotes.

Submissions (6):

Labcorp Genetics (formerly Invitae), Labcorp
Classification: Likely benign for Myofibrillar myopathy 4. Last evaluated: 2025-12-20. Review status: criteria provided, single submitter. Criteria: Invitae Variant Classification Sherloc (09022015). Collection method: clinical testing. Allele origin: germline.

PreventionGenetics, part of Exact Sciences
Classification: Likely benign for LDB3-related condition. Last evaluated: 2024-10-28. Review status: criteria provided, single submitter. Criteria: ACMG Guidelines, 2015. Collection method: clinical testing. Allele origin: germline.
Comment: This variant is classified as likely benign based on ACMG/AMP sequence variant interpretation guidelines (Richards et al. 2015 PMID: 25741868, with internal and published modifications).

GeneDx
Classification: Likely benign. Last evaluated: 2024-08-08. Review status: criteria provided, single submitter. Criteria: GeneDx Variant Classification Process June 2021. Collection method: clinical testing. Allele origin: germline. Affected: yes.
Comment: See Variant Classification Assertion Criteria.

Women's Health and Genetics/Laboratory Corporation of America, LabCorp
Classification: Likely benign. Last evaluated: 2023-08-19. Review status: criteria provided, single submitter. Criteria: LabCorp Variant Classification Summary - May 2015. Collection method: clinical testing. Allele origin: germline.

Ambry Genetics
Classification: Likely benign for Cardiovascular phenotype. Last evaluated: 2022-12-19. Review status: criteria provided, single submitter. Criteria: Ambry Variant Classification Scheme 2023. Collection method: clinical testing. Allele origin: germline.

Center for Advanced Laboratory Medicine, UC San Diego Health, University of California San Diego
Classification: Likely benign for Cardiomyopathy; Long QT Syndrome. Last evaluated: 2018-06-26. Review status: criteria provided, single submitter. Criteria: ACMG Guidelines, 2015. Collection method: clinical testing. Allele origin: germline. Affected: yes. Observed: 2 variant alleles.